The following is an entry in ClinVar:

NM_005732.4(RAD50):c.3235_3238del (p.Lys1079fs)

Gene: RAD50 (RAD50 double strand break repair protein; plus strand). Cytogenetic location: 5q31.1.
Variant type: Deletion.
Coding change: c.3235_3238del on transcript NM_005732.4 (MANE Select); coding-DNA positions 3235 to 3238, 4 bases deleted (AAAG; older notation c.3235_3238delAAAG).
Protein change: p.Lys1079fs; shifts the reading frame from lysine 1079.
Molecular consequence: frameshift variant.
Genome position (GRCh38, 1-based): chr5:132,618,140-132,618,143, AAAG deleted; deleting any 4 consecutive bases within chr5:132,618,138-132,618,143 gives the same sequence; the c. name uses the placement nearest the transcript's 3' end. VCF-style (leftmost placement, unchanged base first): chr5-132618137-CAGAA-C. GRCh37 (hg19) VCF-style: chr5-131953829-CAGAA-C.
Other names: short protein forms K1079fs.
Identifiers: ClinVar variation 837926 (VCV000837926.8), dbSNP rs1751210750, ClinGen allele CA916082760.

ClinVar aggregate classification (germline): Pathogenic (1 of 4 stars; one submission).

Conditions:
Hereditary cancer-predisposing syndrome. Also called: Neoplastic Syndromes, Hereditary; Tumor predisposition; Hereditary neoplastic syndrome; Hereditary Cancer Syndrome. Identifiers: Orphanet 140162, MedGen C0027672, MeSH D009386, MONDO:0015356.

Submission:

Labcorp Genetics (formerly Invitae), Labcorp
Classification: Pathogenic for Hereditary cancer-predisposing syndrome. Last evaluated: 2022-03-29. Review status: criteria provided, single submitter. Criteria: Invitae Variant Classification Sherloc (09022015). Collection method: clinical testing. Allele origin: germline.
Comment: ClinVar contains an entry for this variant (Variation ID: 837926). For these reasons, this variant has been classified as Pathogenic. Algorithms developed to predict the effect of sequence changes on RNA splicing suggest that this variant may create or strengthen a splice site. This variant has not been reported in the literature in individuals affected with RAD50-related conditions. This variant is not present in population databases (gnomAD no frequency). This sequence change creates a premature translational stop signal (p.Lys1079Valfs*28) in the RAD50 gene. It is expected to result in an absent or disrupted protein product. Loss-of-function variants in RAD50 are known to be pathogenic (PMID: 19409520).

Literature cited by the submitters: PubMed 19409520.